The following is an entry in ClinVar:

NM_001382391.1(CSPP1):c.-101A>G

Gene: CSPP1 (centrosome and spindle pole associated protein 1; plus strand). Cytogenetic location: 8q13.1.
Variant type: single nucleotide variant.
Coding change: c.-101A>G on transcript NM_001382391.1 (MANE Select); 101 bases upstream of the start codon, A replaced by G.
Molecular consequence: 5 prime UTR variant. On other transcripts: missense variant (3).
Genome position (GRCh38, 1-based): chr8:67,064,448, A>G. VCF-style: chr8-67064448-A-G. GRCh37 (hg19) VCF-style: chr8-67976683-A-G.
Other names: c.-101A>G (NM_001363131.2, NM_001363132.2, NM_001363133.2); c.50A>G, p.Asp17Gly (NM_001364869.1, NM_001364870.1, NM_024790.7); short protein forms D17G.
Identifiers: ClinVar variation 839384 (VCV000839384.6), dbSNP rs200250731, ClinGen allele CA4770053.

ClinVar aggregate classification (germline): Uncertain significance. Review status: criteria provided, multiple submitters, no conflicts (2 of 4 stars). 3 submissions from 3 submitters: Uncertain significance (3). Last evaluated 2025-08-12.

Conditions:
Joubert syndrome 21 (JBTS21). Identifiers: MedGen C3810212, MONDO:0014288, OMIM 615636.
Inborn genetic diseases. Identifiers: MedGen C0950123, MeSH D030342.

Allele frequency attached by ClinVar (database versions not stated): gnomAD exomes 0.00003 and 0.00002; ExAC 0.00004; gnomAD 0.00014 and 0.00016; TOPMed 0.00040; 1000 Genomes Project 0.00060; 1000 Genomes Project 30x 0.00078.
gnomAD v4.1: 46 of 1,613,926 alleles (0.0029%); highest among the groups gnomAD compares: Admixed American, 0.055%; no homozygotes.

Submissions (3):

Ambry Genetics
Classification: Uncertain significance for Inborn genetic diseases. Last evaluated: 2025-08-12. Review status: criteria provided, single submitter. Criteria: Ambry Variant Classification Scheme 2023. Collection method: clinical testing. Allele origin: germline.

GeneDx
Classification: Uncertain significance. Last evaluated: 2023-02-16. Review status: criteria provided, single submitter. Criteria: GeneDx Variant Classification Process June 2021. Collection method: clinical testing. Allele origin: germline. Affected: yes.
Comment: Not observed at significant frequency in large population cohorts (gnomAD); In silico analysis supports that this missense variant does not alter protein structure/function; Has not been previously published as pathogenic or benign to our knowledge

Labcorp Genetics (formerly Invitae), Labcorp
Classification: Uncertain significance for Joubert syndrome 21. Last evaluated: 2022-10-13. Review status: criteria provided, single submitter. Criteria: Invitae Variant Classification Sherloc (09022015). Collection method: clinical testing. Allele origin: germline.
Comment: This sequence change replaces aspartic acid, which is acidic and polar, with glycine, which is neutral and non-polar, at codon 17 of the CSPP1 protein (p.Asp17Gly). This variant is present in population databases (rs200250731, gnomAD 0.01%). This variant has not been reported in the literature in individuals affected with CSPP1-related conditions. ClinVar contains an entry for this variant (Variation ID: 839384). Algorithms developed to predict the effect of missense changes on protein structure and function output the following: SIFT: "Tolerated"; PolyPhen-2: "Benign"; Align-GVGD: "Class C0". The glycine amino acid residue is found in multiple mammalian species, which suggests that this missense change does not adversely affect protein function. In summary, the available evidence is currently insufficient to determine the role of this variant in disease. Therefore, it has been classified as a Variant of Uncertain Significance.